The following is an entry in ClinVar:

NM_001615.4(ACTG2):c.726G>C (p.Glu242Asp)

Gene: ACTG2 (actin gamma 2, smooth muscle; plus strand). Cytogenetic location: 2p13.1.
Variant type: single nucleotide variant.
Coding change: c.726G>C on transcript NM_001615.4 (MANE Select); coding-DNA position 726, G replaced by C.
Protein change: p.Glu242Asp; replaces glutamic acid 242 with aspartic acid.
Molecular consequence: missense variant.
Genome position (GRCh38, 1-based): chr2:73,914,792, G>C. VCF-style: chr2-73914792-G-C. GRCh37 (hg19) VCF-style: chr2-74141919-G-C.
Other names: c.597G>C, p.Glu199Asp (NM_001199893.2); short protein forms E199D, E242D.
Identifiers: ClinVar variation 5017723 (VCV005017723.1).

ClinVar aggregate classification (germline): Uncertain significance (1 of 4 stars; one submission).

Submission:

GeneDx
Classification: Uncertain significance. Last evaluated: 2026-03-31. Review status: criteria provided, single submitter. Criteria: GeneDx Variant Classification Process June 2021. Collection method: clinical testing. Allele origin: germline.
Comment: Not observed at significant frequency in large population cohorts (gnomAD); In silico analysis suggests that this missense variant does not alter protein structure/function; Has not been previously published as pathogenic or benign to our knowledge